The following is an entry in ClinVar:

NM_012281.3(KCND2):c.1238A>G (p.Tyr413Cys)

Gene: KCND2 (potassium voltage-gated channel subfamily D member 2; plus strand). Cytogenetic location: 7q31.31.
Variant type: single nucleotide variant.
Coding change: c.1238A>G on transcript NM_012281.3 (MANE Select); coding-DNA position 1238, A replaced by G.
Protein change: p.Tyr413Cys; replaces tyrosine 413 with cysteine.
Molecular consequence: missense variant.
Genome position (GRCh38, 1-based): chr7:120,733,025, A>G. VCF-style: chr7-120733025-A-G. GRCh37 (hg19) VCF-style: chr7-120373079-A-G.
Other names: short protein forms Y413C.
Identifiers: ClinVar variation 560272 (VCV000560272.3), dbSNP rs1562923143, ClinGen allele CA369134240.

ClinVar aggregate classification (germline): Uncertain significance (1 of 4 stars; one submission).

Submission:

Geisinger Autism and Developmental Medicine Institute, Geisinger Health System
Classification: Uncertain significance. Last evaluated: 2017-11-08. Review status: criteria provided, single submitter. Criteria: ACMG Guidelines, 2015. Collection method: provider interpretation, clinical testing. Allele origin: unknown. Observed: 1 variant allele.
Comment: At the time of the lab report, no known human disorders had been clearly associated with this gene; however, variants have been observed in individuals with epilepsy, autism, and sudden cardiac arrest (Isbrandt et al., 2000; Singh et al., 2006; Lee et al., 2014; Perrin et al., 2014). The p.Tyr413Cys variant is absent from population databases. Computational models predict the variant to be probably damaging.

Literature cited by the submitters: PubMed 16934482; PubMed 10729221; PubMed 24501278; PubMed 25214526.